The following is an entry in ClinVar:

NM_006766.5(KAT6A):c.1522T>C (p.Cys508Arg)

Gene: KAT6A (lysine acetyltransferase 6A; minus strand). Cytogenetic location: 8p11.21.
Variant type: single nucleotide variant.
Coding change: c.1522T>C on transcript NM_006766.5 (MANE Select); coding-DNA position 1522, T replaced by C.
Protein change: p.Cys508Arg; replaces cysteine 508 with arginine.
Molecular consequence: missense variant.
Genome position (GRCh38, 1-based): chr8:41,955,372, A>G on the plus strand (T>C on the coding strand, the complement: KAT6A is on the minus strand). VCF-style: chr8-41955372-A-G. GRCh37 (hg19) VCF-style: chr8-41812890-A-G.
Other names: c.1522T>C, p.Cys508Arg (NM_001305878.2); short protein forms C508R.
Identifiers: ClinVar variation 3287383 (VCV003287383.3).

ClinVar aggregate classification (germline): Uncertain significance (1 of 4 stars; one submission).

Conditions:
Inborn genetic diseases. Identifiers: MedGen C0950123, MeSH D030342.

Submission:

Ambry Genetics
Classification: Uncertain significance for Inborn genetic diseases. Last evaluated: 2026-08-28. Review status: criteria provided, single submitter. Criteria: Ambry Variant Classification Scheme 2023. Collection method: clinical testing. Allele origin: germline.
Comment: The c.1522T>C (p.C508R) alteration is located in exon 9 (coding exon 8) of the KAT6A gene. This alteration results from a T to C substitution at nucleotide position 1522, causing the cysteine (C) at amino acid position 508 to be replaced by an arginine (R). This variant was not reported in population-based cohorts in the Genome Aggregation Database (gnomAD). This amino acid position is highly conserved in available vertebrate species. This alteration is predicted to be deleterious by in silico analysis. Based on insufficient or conflicting evidence, the clinical significance of this alteration remains unclear.